The following is an entry in ClinVar:

ClinVar aggregate classification (germline): Pathogenic (1 of 4 stars; one submission).

Conditions:
Peroxisome biogenesis disorder, complementation group 7 (CG7). Also called: Peroxisome biogenesis disorder, complementation group B. Identifiers: MedGen C1864399.

Submission:

Labcorp Genetics (formerly Invitae), Labcorp
Classification: Pathogenic for Peroxisome biogenesis disorder, complementation group 7. Last evaluated: 2023-09-10. Review status: criteria provided, single submitter. Criteria: Invitae Variant Classification Sherloc (09022015). Collection method: clinical testing. Allele origin: germline.
Comment: This sequence change results in a frameshift in the PEX10 gene (p.Cys316Serfs*48). While this is not anticipated to result in nonsense mediated decay, it is expected to disrupt the last 31 amino acid(s) of the PEX10 protein and extend the protein by 16 additional amino acid residues. This variant is not present in population databases (gnomAD no frequency). This variant has not been reported in the literature in individuals affected with PEX10-related conditions. This variant disrupts a region of the PEX10 protein in which other variant(s) (p.Arg331Gln) have been determined to be pathogenic (PMID: 20695019, 27230853). This suggests that this is a clinically significant region of the protein, and that variants that disrupt it are likely to be disease-causing. For these reasons, this variant has been classified as Pathogenic.

Literature cited by the submitters: PubMed 20695019; PubMed 27230853.

NM_002617.4(PEX10):c.887del (p.Cys296fs)

Gene: PEX10 (peroxisomal biogenesis factor 10; minus strand). Cytogenetic location: 1p36.32.
Variant type: Deletion.
Coding change: c.887del on transcript NM_002617.4 (MANE Select); coding-DNA position 887, one base deleted (G; older notation c.887delG).
Protein change: p.Cys296fs; shifts the reading frame from cysteine 296.
Molecular consequence: frameshift variant. On other transcripts: non-coding transcript variant (1).
Genome position (GRCh38, 1-based): chr1:2,406,509, C deleted on the plus strand (G on the coding strand, the reverse complement: PEX10 is on the minus strand). VCF-style (leftmost placement, unchanged base first): chr1-2406508-GC-G. GRCh37 (hg19) VCF-style: chr1-2337947-GC-G.
Other names: c.944del, p.Cys315fs (NM_001374425.1); c.512del, p.Cys171fs (NM_001374426.1); c.455del, p.Cys152fs (NM_001374427.1); c.947del, p.Cys316fs (NM_153818.2); short protein forms C152fs, C296fs, C171fs, C315fs, C316fs.
Identifiers: ClinVar variation 2759523 (VCV002759523.3), dbSNP rs2522256413, ClinGen allele CA2697552028.